The following is an entry in ClinVar:

ClinVar aggregate classification (germline): Uncertain significance (1 of 4 stars; one submission).

Submission:

Labcorp Genetics (formerly Invitae), Labcorp
Classification: Uncertain significance. Last evaluated: 2025-12-23. Review status: criteria provided, single submitter. Criteria: Invitae Variant Classification Sherloc (09022015). Collection method: clinical testing. Allele origin: germline.
Comment: This variant, c.753_755del, results in the deletion of 1 amino acid(s) of the CHD4 protein (p.Pro252del), but otherwise preserves the integrity of the reading frame. This variant is present in population databases (rs766785512, gnomAD 0.002%). This variant has not been reported in the literature in individuals affected with CHD4-related conditions. In summary, the available evidence is currently insufficient to determine the role of this variant in disease. Therefore, it has been classified as a Variant of Uncertain Significance.

NM_001273.5(CHD4):c.753_755del (p.Pro252del)

Gene: CHD4 (chromodomain helicase DNA binding protein 4; minus strand). Cytogenetic location: 12p13.31.
Variant type: Deletion.
Coding change: c.753_755del on transcript NM_001273.5 (MANE Select); coding-DNA positions 753 to 755, 3 bases deleted (CCC; older notation c.753_755delCCC).
Protein change: p.Pro252del; deletes proline 252.
Molecular consequence: inframe deletion.
Genome position (GRCh38, 1-based): chr12:6,601,333-6,601,335, GGG deleted on the plus strand (CCC on the coding strand, the reverse complement: CHD4 is on the minus strand); deleting any 3 consecutive bases within chr12:6,601,333-6,601,337 gives the same sequence; the c. name uses the placement nearest the transcript's 3' end. VCF-style (leftmost placement, unchanged base first): chr12-6601332-AGGG-A. GRCh37 (hg19) VCF-style: chr12-6710498-AGGG-A.
Other names: c.732_734del, p.Pro245del (NM_001297553.2); c.753_755del, p.Pro252del (NM_001363606.2); short protein forms P245del, P252del.
Identifiers: ClinVar variation 4698383 (VCV004698383.1).
Genomic context (GRCh38, chr12:6,601,332, plus strand): 5'-TTTGAACCCCATTTCACCTTTGCCCTCCTTGGTCTTGGCCTTGCGGATAGGCACCTCCAC[AGGG>A]GGAGGTGGTGGTGCAACCTCAGTGGCTGTCACCATGCTCTCCACCACAGCTACCGCTGCT-3'